The following is an entry in ClinVar:

ClinVar aggregate classification (germline): Uncertain significance (1 of 4 stars; one submission).

gnomAD v4.1: 13 of 1,613,324 alleles (0.00081%); highest among the groups gnomAD compares: Non-Finnish European, 0.001%; no homozygotes.

Submission:

Labcorp Genetics (formerly Invitae), Labcorp
Classification: Uncertain significance. Last evaluated: 2025-02-09. Review status: criteria provided, single submitter. Criteria: Invitae Variant Classification Sherloc (09022015). Collection method: clinical testing. Allele origin: germline.
Comment: This sequence change replaces isoleucine, which is neutral and non-polar, with threonine, which is neutral and polar, at codon 4941 of the HMCN1 protein (p.Ile4941Thr). This variant is not present in population databases (gnomAD no frequency). This variant has not been reported in the literature in individuals affected with HMCN1-related conditions. An algorithm developed to predict the effect of missense changes on protein structure and function (PolyPhen-2) suggests that this variant is likely to be disruptive. In summary, the available evidence is currently insufficient to determine the role of this variant in disease. Therefore, it has been classified as a Variant of Uncertain Significance.

NM_031935.3(HMCN1):c.14822T>C (p.Ile4941Thr)

Gene: HMCN1 (hemicentin 1; plus strand). Cytogenetic location: 1q31.1.
Variant type: single nucleotide variant.
Coding change: c.14822T>C on transcript NM_031935.3 (MANE Select); coding-DNA position 14822, T replaced by C.
Protein change: p.Ile4941Thr; replaces isoleucine 4941 with threonine.
Molecular consequence: missense variant.
Genome position (GRCh38, 1-based): chr1:186,151,669, T>C. VCF-style: chr1-186151669-T-C. GRCh37 (hg19) VCF-style: chr1-186120801-T-C.
Other names: short protein forms I4941T.
Identifiers: ClinVar variation 4761442 (VCV004761442.1).